The following is an entry in ClinVar:

ClinVar aggregate classification (germline): Pathogenic/Likely pathogenic. Review status: criteria provided, multiple submitters, no conflicts (2 of 4 stars). 3 submissions from 3 submitters: Pathogenic (1); Likely pathogenic (1). 1 of the submissions does not count toward it. Last evaluated 2024-12-04.

Conditions:
Cardiovascular phenotype. Identifiers: MedGen CN230736.
Telangiectasia, hereditary hemorrhagic, type 2 (HHT2). Also called: ACVRL1-Related Hereditary Hemorrhagic Telangiectasia; Telangiectasia, hereditary hemorrhagic, type II. Identifiers: Orphanet 774, MedGen C1838163, MONDO:0010880, OMIM 600376. Disease mechanism: loss of function.
Pulmonary arterial hypertension related to hereditary hemorrhagic telangiectasia. Also called: PULMONARY ARTERIAL HYPERTENSION, HEREDITARY HEMORRHAGIC TELANGIECTASIA-RELATED. Identifiers: MedGen C1832529.

Submissions (3):

Labcorp Genetics (formerly Invitae), Labcorp
Classification: Pathogenic for Telangiectasia, hereditary hemorrhagic, type 2. Last evaluated: 2024-12-04. Review status: criteria provided, single submitter. Criteria: Invitae Variant Classification Sherloc (09022015). Collection method: clinical testing. Allele origin: germline.
Comment: This sequence change replaces tryptophan, which is neutral and slightly polar, with serine, which is neutral and polar, at codon 399 of the ACVRL1 protein (p.Trp399Ser). This variant is not present in population databases (gnomAD no frequency). This missense change has been observed in individual(s) with hereditary hemorrhagic telangiectasia (PMID: 14684682). ClinVar contains an entry for this variant (Variation ID: 8255). Invitae Evidence Modeling of protein sequence and biophysical properties (such as structural, functional, and spatial information, amino acid conservation, physicochemical variation, residue mobility, and thermodynamic stability) indicates that this missense variant is expected to disrupt ACVRL1 protein function with a positive predictive value of 95%. This variant disrupts the p.Trp399 amino acid residue in ACVRL1. Other variant(s) that disrupt this residue have been determined to be pathogenic (Internal data). This suggests that this residue is clinically significant, and that variants that disrupt this residue are likely to be disease-causing. For these reasons, this variant has been classified as Pathogenic.

Ambry Genetics
Classification: Likely pathogenic for Cardiovascular phenotype. Last evaluated: 2019-08-22. Review status: criteria provided, single submitter. Criteria: Ambry Variant Classification Scheme 2023. Collection method: clinical testing. Allele origin: germline.
Comment: The p.W399S variant (also known as c.1196G>C), located in coding exon 7 of the ACVRL1 gene, results from a G to C substitution at nucleotide position 1196. The tryptophan at codon 399 is replaced by serine, an amino acid with highly dissimilar properties. This variant was identified in 2 individuals with a clinical symptoms of hereditary hemorrhagic telangiectasia (Harrison RE et al. J. Med. Genet., 2003 Dec;40:865-71; Ishiwata T et al. Intern. Med., 2014;53:2359-63). This amino acid position is highly conserved in available vertebrate species. In addition, this alteration is predicted to be deleterious by in silico analysis. Based on the majority of available evidence to date, this variant is likely to be pathogenic.

OMIM
Classification: Pathogenic for PULMONARY ARTERIAL HYPERTENSION, HEREDITARY HEMORRHAGIC TELANGIECTASIA-RELATED. Last evaluated: 2003-12-01. Review status: no assertion criteria provided. Collection method: literature only. Allele origin: germline. Not counted in ClinVar's aggregate classification.

Literature cited by the submitters: PubMed 14684682 (cited by 3 submitters); PubMed 25318803 (cited by Ambry Genetics).

NM_000020.3(ACVRL1):c.1196G>C (p.Trp399Ser)

Gene: ACVRL1 (activin A receptor like type 1; plus strand). Cytogenetic location: 12q13.13.
Variant type: single nucleotide variant.
Coding change: c.1196G>C on transcript NM_000020.3 (MANE Select); coding-DNA position 1196, G replaced by C.
Protein change: p.Trp399Ser; replaces tryptophan 399 with serine.
Molecular consequence: missense variant.
Genome position (GRCh38, 1-based): chr12:51,916,183, G>C. VCF-style: chr12-51916183-G-C. GRCh37 (hg19) VCF-style: chr12-52309967-G-C.
Other names: c.1196G>C, p.Trp399Ser (NM_001077401.2); short protein forms W399S.
Identifiers: ClinVar variation 8255 (VCV000008255.5), dbSNP rs121909289, ClinGen allele CA119410.